The following is an entry in ClinVar:

NM_019032.6(ADAMTSL4):c.2764-1G>C

Gene: ADAMTSL4 (ADAMTS like 4; plus strand). Cytogenetic location: 1q21.2.
Variant type: single nucleotide variant.
Coding change: c.2764-1G>C on transcript NM_019032.6 (MANE Select); the canonical splice acceptor site of the intron before coding-DNA position 2764, G replaced by C.
Molecular consequence: splice acceptor variant.
Genome position (GRCh38, 1-based): chr1:150,559,286, G>C. VCF-style: chr1-150559286-G-C. GRCh37 (hg19) VCF-style: chr1-150531762-G-C.
Other names: c.2833-1G>C (NM_001288608.2); c.2647-1G>C (NM_001288607.2); c.2764-1G>C (NM_001378596.1).
Identifiers: ClinVar variation 2759356 (VCV002759356.3), dbSNP rs776909261, ClinGen allele CA342316827.

ClinVar aggregate classification (germline): Likely pathogenic (1 of 4 stars; one submission).

Submission:

Labcorp Genetics (formerly Invitae), Labcorp
Classification: Likely pathogenic. Last evaluated: 2023-09-09. Review status: criteria provided, single submitter. Criteria: Invitae Variant Classification Sherloc (09022015). Collection method: clinical testing. Allele origin: germline.
Comment: This variant is not present in population databases (gnomAD no frequency). This sequence change affects an acceptor splice site in intron 16 of the ADAMTSL4 gene. It is expected to disrupt RNA splicing. Variants that disrupt the donor or acceptor splice site typically lead to a loss of protein function (PMID: 16199547), and loss-of-function variants in ADAMTSL4 are known to be pathogenic (PMID: 20564469, 28642162). In summary, the currently available evidence indicates that the variant is pathogenic, but additional data are needed to prove that conclusively. Therefore, this variant has been classified as Likely Pathogenic. Algorithms developed to predict the effect of sequence changes on RNA splicing suggest that this variant may disrupt the consensus splice site. This variant has not been reported in the literature in individuals affected with ADAMTSL4-related conditions.

Literature cited by the submitters: PubMed 16199547; PubMed 20564469; PubMed 28642162.